The following is an entry in ClinVar:

NM_000400.4(ERCC2):c.1918C>A (p.Leu640Met)

Gene: ERCC2 (ERCC excision repair 2, TFIIH core complex helicase subunit; minus strand). Cytogenetic location: 19q13.32.
Variant type: single nucleotide variant.
Coding change: c.1918C>A on transcript NM_000400.4 (MANE Select); coding-DNA position 1918, C replaced by A.
Protein change: p.Leu640Met; replaces leucine 640 with methionine.
Molecular consequence: missense variant.
Genome position (GRCh38, 1-based): chr19:45,352,634, G>T on the plus strand (C>A on the coding strand, the complement: ERCC2 is on the minus strand). VCF-style: chr19-45352634-G-T. GRCh37 (hg19) VCF-style: chr19-45855892-G-T.
Other names: short protein forms L640M.
Identifiers: ClinVar variation 1050385 (VCV001050385.1), dbSNP rs2123224569, ClinGen allele CA406363569.

ClinVar aggregate classification (germline): Uncertain significance (0 of 4 stars; one submission).

Submission:

Department of Pathology and Laboratory Medicine, Sinai Health System
Classification: Uncertain significance. Review status: no assertion criteria provided. Collection method: clinical testing. Allele origin: unknown. Affected: yes. Study: The Canadian Open Genetics Repository (COGR).
Comment: The ERCC2 p.L640M variant was not identified in the literature nor was it identified in dbSNP, ClinVar, Cosmic, LOVD 3.0 or in the following control databases: the 1000 Genomes Project, the NHLBI GO Exome Sequencing Project, the Exome Aggregation Consortium (August 8th 2016), or the Genome Aggregation Database (March 6, 2019, v2.1.1). The p.L640 residue is conserved in mammals and computational analyses (PolyPhen-2, SIFT, AlignGVGD, BLOSUM, MutationTaster) provide inconsistent predictions regarding the impact to the protein; this information is not very predictive of pathogenicity. The variant occurs outside of the splicing consensus sequence and in silico or computational prediction software programs (SpliceSiteFinder, MaxEntScan, NNSPLICE, GeneSplicer) do not predict a difference in splicing. In summary, based on the above information the clinical significance of this variant cannot be determined with certainty at this time. This variant is classified as a variant of uncertain significance.